The following is an entry in ClinVar:

NM_183050.4(BCKDHB):c.1016C>T (p.Ser339Leu)

Gene: BCKDHB (branched chain keto acid dehydrogenase E1 subunit beta; plus strand). Cytogenetic location: 6q14.1.
Variant type: single nucleotide variant.
Coding change: c.1016C>T on transcript NM_183050.4 (MANE Select); coding-DNA position 1016, C replaced by T.
Protein change: p.Ser339Leu; replaces serine 339 with leucine.
Molecular consequence: missense variant. On other transcripts: non-coding transcript variant (1).
Genome position (GRCh38, 1-based): chr6:80,273,199, C>T. VCF-style: chr6-80273199-C-T. GRCh37 (hg19) VCF-style: chr6-80982916-C-T.
Other names: c.1016C>T (NM_183050.3); c.1016C>T, p.Ser339Leu (NM_000056.5); c.806C>T, p.Ser269Leu (NM_001318975.1); short protein forms S339L, S269L.
Identifiers: ClinVar variation 96563 (VCV000096563.30), dbSNP rs398124561, ClinGen allele CA224235.

ClinVar aggregate classification (germline): Pathogenic/Likely pathogenic. Review status: criteria provided, multiple submitters, no conflicts (2 of 4 stars). 13 submissions from 13 submitters: Pathogenic (9); Likely pathogenic (4). Last evaluated 2026-03-02.

Conditions:
Maple syrup urine disease type 1A (MSUD1A). Also called: MSUD type 1A. Identifiers: MedGen C1855369, MONDO:0023691, OMIM 248600.
Maple syrup urine disease (MSUD). Identifiers: Orphanet 511, MedGen C0024776, MeSH D008375, MONDO:0009563. Disease mechanism: loss of function.
Maple syrup urine disease type 1B (MSUD1B). Also called: MSUD type IB; MSUD type 3 (formerly); MSUD due to deficiency of e1-beta subunit of branched-chain alpha-keto acid dehydrogenase complex. Identifiers: MedGen C2930990, MONDO:0023692, OMIM 620698.

Allele frequency attached by ClinVar (database versions not stated): gnomAD 0.00002; TOPMed 0.00002.
gnomAD v4.1: 25 of 1,613,312 alleles (0.0015%); highest among the groups gnomAD compares: East Asian, 0.0022%; no homozygotes.

Submissions (13):

GeneDx
Classification: Pathogenic. Last evaluated: 2026-03-02. Review status: criteria provided, single submitter. Criteria: GeneDx Variant Classification Process June 2021. Collection method: clinical testing. Allele origin: germline.
Comment: Published functional studies found this variant is association with impaired heterotetrameric assembly of the branched-chain alpha-ketoacid dehydrogenase complex (PMID: 11448970); In silico analysis supports that this missense variant has a deleterious effect on protein structure/function; Not observed at significant frequency in large population cohorts (gnomAD); Also known as p.(S289L); This variant is associated with the following publications: (PMID: 19480318, 11448970, 32778825, 30228974, Nguyen2020[Case report], 22593002)

Labcorp Genetics (formerly Invitae), Labcorp
Classification: Pathogenic for Maple syrup urine disease. Last evaluated: 2025-12-16. Review status: criteria provided, single submitter. Criteria: Invitae Variant Classification Sherloc (09022015). Collection method: clinical testing. Allele origin: germline.
Comment: This sequence change replaces serine, which is neutral and polar, with leucine, which is neutral and non-polar, at codon 339 of the BCKDHB protein (p.Ser339Leu). The frequency data for this variant in the population databases is considered unreliable, as metrics indicate poor data quality at this position in the gnomAD database. This missense change has been observed in individual(s) with BCKDHB-related conditions (PMID: 11448970, 22593002, 30228974; internal data). This variant is also known as p.Ser289Leu. ClinVar contains an entry for this variant (Variation ID: 96563). Invitae Evidence Modeling of protein sequence and biophysical properties (such as structural, functional, and spatial information, amino acid conservation, physicochemical variation, residue mobility, and thermodynamic stability) indicates that this missense variant is not expected to disrupt BCKDHB protein function with a negative predictive value of 80%. Experimental studies have shown that this missense change affects BCKDHB function (PMID: 11448970). For these reasons, this variant has been classified as Pathogenic.

Natera, Inc.
Classification: Pathogenic for Maple syrup urine disease type 1B. Last evaluated: 2025-09-28. Review status: criteria provided, single submitter. Criteria: Natera Variant Classification Schema (03/2026). Collection method: clinical testing. Allele origin: germline.
Comment: The c.1016C>T variant in BCKDHB is a missense variant predicted to cause substitution of serine to leucine at amino acid 339. This variant is rare in the general population with a frequency below the threshold expected for the associated phenotype(s). This variant has been observed in one or more individuals affected with the associated recessive disease, as either homozygous or compound heterozygous with a second variant (PMID: 30228974, 11448970). Functional studies show that this variant may disrupt protein function (PMID: 11448970). Computational prediction algorithms indicate this variant is likely to affect gene or protein function. Given the available evidence, this variant is classified as Pathogenic.

Immunogenetics and Transplant Biology Service, University Hospital "Città della Salute e della Scienza di Torino"
Classification: Pathogenic for Maple syrup urine disease type 1B. Last evaluated: 2025-06-28. Review status: criteria provided, single submitter. Criteria: ACMG Guidelines, 2015. Collection method: clinical testing. Allele origin: germline. Affected: yes.

Fulgent Genetics
Classification: Likely pathogenic for Maple syrup urine disease type 1B. Last evaluated: 2024-03-26. Review status: criteria provided, single submitter. Criteria: ACMG Guidelines, 2015. Collection method: clinical testing. Allele origin: germline.

Laboratory of Medical Genetics, National & Kapodistrian University of Athens
Classification: Pathogenic for Maple syrup urine disease type 1B. Last evaluated: 2024-02-01. Review status: criteria provided, single submitter. Criteria: ACMG Guidelines, 2015. Collection method: curation. Allele origin: germline. Affected: no.

Department of Pathology and Laboratory Medicine, Sinai Health System
Classification: Pathogenic for maple syrup urine disease type 1B. Last evaluated: 2023-05-11. Review status: criteria provided, single submitter. Criteria: ACMG Guidelines, 2015. Collection method: research. Allele origin: germline.

Women's Health and Genetics/Laboratory Corporation of America, LabCorp
Classification: Pathogenic for Maple syrup urine disease. Last evaluated: 2023-02-08. Review status: criteria provided, single submitter. Criteria: LabCorp Variant Classification Summary - May 2015. Collection method: clinical testing. Allele origin: germline.
Comment: Variant summary: BCKDHB c.1016C>T (p.Ser339Leu) results in a non-conservative amino acid change located in the Transketolase, C-terminal domain (IPR033248) of the encoded protein sequence. Four of five in-silico tools predict a damaging effect of the variant on protein function. The variant was absent in 250844 control chromosomes (gnomAD). c.1016C>T has been reported in the literature in multiple individuals affected with Maple Syrup Urine Disease (e.g. Wynn_2001, Gorzelany_2009, Bashyam_2012). These data indicate that the variant is very likely to be associated with disease. At least one publication reported experimental evidence evaluating an impact on protein function, and demonstrated complete absence of activity in patient derived fibroblasts, and in a bacterial expression system (Wynn_2001). Three clinical diagnostic laboratories have submitted clinical-significance assessments for this variant to ClinVar after 2014, partly without evidence for independent evaluation, and classified the variant as pathogenic (n=2) or likely pathogenic (n=1). Based on the evidence outlined above, the variant was classified as pathogenic.

Revvity Omics, Revvity
Classification: Pathogenic for Maple syrup urine disease type 1A. Last evaluated: 2021-11-29. Review status: criteria provided, single submitter. Criteria: ACMG Guidelines, 2015. Collection method: clinical testing. Allele origin: germline.

Genome-Nilou Lab
Classification: Likely pathogenic for Maple syrup urine disease type 1A. Last evaluated: 2021-11-07. Review status: criteria provided, single submitter. Criteria: ACMG Guidelines, 2015. Collection method: clinical testing. Allele origin: germline. Affected: no.

Eurofins Ntd Llc (ga)
Classification: Pathogenic. Last evaluated: 2015-04-22. Review status: criteria provided, single submitter. Criteria: EGL Classification Definitions. Collection method: clinical testing. Allele origin: germline. Observed: 5 variant alleles, 4 heterozygotes, 1 homozygote.

Juno Genomics, Hangzhou Juno Genomics, Inc
Classification: Likely pathogenic for Maple syrup urine disease type 1B. Review status: criteria provided, single submitter. Criteria: ACMG Guidelines, 2015. Collection method: clinical testing. Allele origin: germline.
Comment: Absent from controls (or at extremely low frequency if recessive) in Genome Aggregation Database.;Multiple lines of computational evidence support a deleterious effect on the gene or gene product.;For recessive disorders, detected in trans with a pathogenic variant.;Patient's phenotype or family history is highly specific for a disease with a single genetic etiology.

Lifecell International Pvt. Ltd
Classification: Likely pathogenic for Maple syrup urine disease type 1A. Review status: criteria provided, single submitter. Criteria: ACMG Guidelines, 2015. Collection method: clinical testing. Allele origin: germline. Inheritance: Autosomal recessive inheritance. Affected: yes. Observed: 1 compound heterozygote.
Comment: A Heterozygous Missense variant c.1016C>T in Exon 9 of the BCKDHB gene that results in the amino acid substitution p.Ser339Leu was identified. The observed variant has a minor allele frequency of 0.00003 in and genomes and is novel in gnomAD exomes. The severity of the impact of this variant on the protein is medium, based on the effect of the protein and REVEL score. Rare Exome Variant Ensemble Learner (REVEL) is an ensembl method for predicting the pathogenicity of missense variants based on a combination of scores from 13individual tools: MutPred, FATHMM v2.3, VEST 3.0, PolyPhen-2, SIFT, PROVEAN, MutationAssessor, MutationTaster, LRT, GERP++, SiPhy, phyloP, and phastCons. The REVEL score for an individual missense variant can range from 0 to 1, with higher scores reflecting greater likelihood that the variant is disease-causing. ClinVar has also classified this variant as Pathogenic [Variant ID: 96563]. This variant has previously been reported for maple syrup urine disease by Ali, Ernie Zuraida, and Lock-Hock Ngu., 2018. Experimental studies have shown that this missense change affects BCKDHB function by Wynn, R. Max, et al., 2001. For these reasons this variant has been classified as Likely Pathogenic.

Literature cited by the submitters: PubMed 11448970 (cited by 3 submitters); PubMed 22593002 (cited by Labcorp Genetics (formerly Invitae), Labcorp and Women's Health and Genetics/Laboratory Corporation of America, LabCorp); PubMed 30228974 (cited by 3 submitters); PubMed 19480318 (cited by Women's Health and Genetics/Laboratory Corporation of America, LabCorp); PubMed 19715473 (cited by Lifecell International Pvt. Ltd).